The following is an entry in ClinVar:

ClinVar aggregate classification (germline): Uncertain significance. Review status: criteria provided, multiple submitters, no conflicts (2 of 4 stars). 2 submissions from 2 submitters: Uncertain significance (2). Last evaluated 2025-08-01.

Conditions:
Retinitis pigmentosa 25 (RP25). Identifiers: Orphanet 791, MedGen C1864446, MONDO:0011272, OMIM 602772.

Submissions (2):

Myriad Genetics, Inc.
Classification: Uncertain significance for Retinitis pigmentosa 25. Last evaluated: 2025-08-01. Review status: criteria provided, single submitter. Criteria: Myriad Autosomal Dominant, Autosomal Recessive and X-Linked Classification Criteria (2023). Collection method: clinical testing. Allele origin: unknown.
Comment: NM_001142800.1(EYS):c.8685_8687delAAC(T2896del) is an in-frame deletion classified as a variant of uncertain significance in the context of retinitis pigmentosa, EYS-related. T2896del has not been observed in cases with relevant disease. Relevant functional assessments of this variant are not available in the literature. T2896del has been observed in referenced population frequency databases. In summary, there is insufficient evidence to classify NM_001142800.1(EYS):c.8685_8687delAAC(T2896del) as pathogenic or benign. Please note: this variant was assessed in the context of healthy population screening.

Labcorp Genetics (formerly Invitae), Labcorp
Classification: Uncertain significance. Last evaluated: 2022-08-20. Review status: criteria provided, single submitter. Criteria: Invitae Variant Classification Sherloc (09022015). Collection method: clinical testing. Allele origin: germline.
Comment: This variant, c.8685_8687del, results in the deletion of 1 amino acid(s) of the EYS protein (p.Thr2896del), but otherwise preserves the integrity of the reading frame. This variant is present in population databases (no rsID available, gnomAD 0.003%). This variant has not been reported in the literature in individuals affected with EYS-related conditions. Experimental studies and prediction algorithms are not available or were not evaluated, and the functional significance of this variant is currently unknown. In summary, the available evidence is currently insufficient to determine the role of this variant in disease. Therefore, it has been classified as a Variant of Uncertain Significance.

NM_001142800.2(EYS):c.8685_8687del (p.Thr2896del)

Genes: EYS (EGF-like photoreceptor maintenance factor; minus strand), PHF3 (PHD finger protein 3; plus strand). Cytogenetic location: 6q12.
Variant type: Deletion.
Coding change: c.8685_8687del on transcript NM_001142800.2 (MANE Select); coding-DNA positions 8685 to 8687, 3 bases deleted (AAC; older notation c.8685_8687delAAC).
Protein change: p.Thr2896del; deletes threonine 2896.
Molecular consequence: inframe deletion. On other transcripts: 3 prime UTR variant (5).
Genome position (GRCh38, 1-based): chr6:63,721,344-63,721,346, GTT deleted on the plus strand (AAC on the coding strand, the reverse complement: EYS is on the minus strand); deleting any 3 consecutive bases within chr6:63,721,344-63,721,348 gives the same sequence; the c. name uses the placement nearest the transcript's 3' end. VCF-style (leftmost placement, unchanged base first): chr6-63721343-AGTT-A. GRCh37 (hg19) VCF-style: chr6-64431239-AGTT-A.
Other names: c.*7638_*7640del (NM_001290259.2, NM_001370348.2, NM_001370349.2 and 2 more transcripts); c.8748_8750del, p.Thr2917del (NM_001292009.2); short protein forms T2896del, T2917del.
Identifiers: ClinVar variation 2183988 (VCV002183988.2), dbSNP rs1450783812, ClinGen allele CA568118951.
Genomic context (GRCh38, chr6:63,721,343, plus strand): 5'-ACAGGACACAGACTGGTTACATGTATTTCCAGCCCAATCTGGCAAACATCTGCAAGAAAA[AGTT>A]GTGCCATTTACTGTACATTCACCTCCATTTCTGCATGTGTTGTACCCACAGGCTGTCCCA-3'